The following is an entry in ClinVar:

ClinVar aggregate classification (germline): Uncertain significance (1 of 4 stars; one submission).

Conditions:
Sulfite oxidase deficiency. Also called: Isolated sulfite oxidase deficiency. Identifiers: Orphanet 833, Orphanet 99731, MedGen C0268624, MONDO:0010089, OMIM 272300, HP:0003643.

Submission:

Labcorp Genetics (formerly Invitae), Labcorp
Classification: Uncertain significance for Sulfite oxidase deficiency. Last evaluated: 2021-09-02. Review status: criteria provided, single submitter. Criteria: Invitae Variant Classification Sherloc (09022015). Collection method: clinical testing. Allele origin: germline.
Comment: This sequence change replaces valine with leucine at codon 181 of the SUOX protein (p.Val181Leu). The valine residue is weakly conserved and there is a small physicochemical difference between valine and leucine. This variant is not present in population databases (ExAC no frequency). This variant has not been reported in the literature in individuals affected with SUOX-related conditions. Algorithms developed to predict the effect of missense changes on protein structure and function (SIFT, PolyPhen-2, Align-GVGD) all suggest that this variant is likely to be tolerated. In summary, the available evidence is currently insufficient to determine the role of this variant in disease. Therefore, it has been classified as a Variant of Uncertain Significance.

NM_001032386.2(SUOX):c.541G>C (p.Val181Leu)

Gene: SUOX (sulfite oxidase; plus strand). Cytogenetic location: 12q13.2.
Variant type: single nucleotide variant.
Coding change: c.541G>C on transcript NM_001032386.2 (MANE Select); coding-DNA position 541, G replaced by C.
Protein change: p.Val181Leu; replaces valine 181 with leucine.
Molecular consequence: missense variant.
Genome position (GRCh38, 1-based): chr12:56,003,930, G>C. VCF-style: chr12-56003930-G-C. GRCh37 (hg19) VCF-style: chr12-56397714-G-C.
Other names: c.541G>C, p.Val181Leu (NM_000456.3, NM_001032387.2); short protein forms V181L.
Identifiers: ClinVar variation 1423640 (VCV001423640.6), dbSNP rs1350131784, ClinGen allele CA385284460.